The following is an entry in ClinVar:

ClinVar aggregate classification (germline): Uncertain significance (1 of 4 stars; one submission).

Conditions:
Neurofibromatosis, type 1 (NF1). Also called: VON RECKLINGHAUSEN DISEASE; Peripheral type neurofibromatosis; NEUROFIBROMATOSIS, TYPE I, SOMATIC; Neurofibromatosis, type I. Identifiers: Orphanet 636, MedGen C0027831, MONDO:0018975, OMIM 162200. Disease mechanism: loss of function.

Submission:

Labcorp Genetics (formerly Invitae), Labcorp
Classification: Uncertain significance for Neurofibromatosis, type 1. Last evaluated: 2024-07-11. Review status: criteria provided, single submitter. Criteria: Invitae Variant Classification Sherloc (09022015). Collection method: clinical testing. Allele origin: germline.
Comment: This sequence change replaces glycine, which is neutral and non-polar, with arginine, which is basic and polar, at codon 1051 of the NF1 protein (p.Gly1051Arg). This variant is not present in population databases (gnomAD no frequency). This variant has not been reported in the literature in individuals affected with NF1-related conditions. Advanced modeling of protein sequence and biophysical properties (such as structural, functional, and spatial information, amino acid conservation, physicochemical variation, residue mobility, and thermodynamic stability) performed at Invitae indicates that this missense variant is expected to disrupt NF1 protein function with a positive predictive value of 95%. In summary, the available evidence is currently insufficient to determine the role of this variant in disease. Therefore, it has been classified as a Variant of Uncertain Significance.

NM_001042492.3(NF1):c.3151G>C (p.Gly1051Arg)

Gene: NF1 (neurofibromin 1; plus strand). Cytogenetic location: 17q11.2.
Variant type: single nucleotide variant.
Coding change: c.3151G>C on transcript NM_001042492.3 (MANE Select); coding-DNA position 3151, G replaced by C.
Protein change: p.Gly1051Arg; replaces glycine 1051 with arginine.
Molecular consequence: missense variant.
Genome position (GRCh38, 1-based): chr17:31,230,879, G>C. VCF-style: chr17-31230879-G-C. GRCh37 (hg19) VCF-style: chr17-29557897-G-C.
Other names: c.3151G>C, p.Gly1051Arg (NM_000267.4); short protein forms G1051R.
Identifiers: ClinVar variation 3634523 (VCV003634523.2).